The following is an entry in ClinVar:

NM_206933.4(USH2A):c.11328T>G (p.Tyr3776Ter)

Gene: USH2A (usherin; minus strand). Cytogenetic location: 1q41.
Variant type: single nucleotide variant.
Coding change: c.11328T>G on transcript NM_206933.4 (MANE Select); coding-DNA position 11328, T replaced by G.
Protein change: p.Tyr3776Ter; replaces tyrosine 3776 with a stop codon.
Molecular consequence: nonsense.
Genome position (GRCh38, 1-based): chr1:215,758,656, A>C on the plus strand (T>G on the coding strand, the complement: USH2A is on the minus strand). VCF-style: chr1-215758656-A-C. GRCh37 (hg19) VCF-style: chr1-215931998-A-C.
Other names: c.11328T>G (NM_206933.2); short protein forms Y3776*.
Identifiers: ClinVar variation 2202518 (VCV002202518.7), dbSNP rs749726310, ClinGen allele CA1393767.

ClinVar aggregate classification (germline): Pathogenic. Review status: criteria provided, multiple submitters, no conflicts (2 of 4 stars). 4 submissions from 4 submitters: Pathogenic (4). Last evaluated 2025-10-27.

Conditions:
Retinitis pigmentosa 39 (RP39). Identifiers: Orphanet 791, MedGen C3151138, MONDO:0013436, OMIM 613809.
Usher syndrome type 2A. Also called: USHER SYNDROME, TYPE IIA; RETINAL DISEASE IN USHER SYNDROME TYPE IIA, MODIFIER OF. Identifiers: Orphanet 231178, Orphanet 886, MedGen C1848634, MONDO:0010169, OMIM 276901.
Retinal dystrophy. Also called: Inherited retinal dystrophy. Identifiers: Orphanet 71862, MedGen C0854723, MeSH D058499, MONDO:0019118, HP:0000556.

Allele frequency attached by ClinVar (database versions not stated): ExAC 0.00001; gnomAD exomes 0.00001.
gnomAD v4.1: 4 of 1,613,726 alleles (0.00025%); highest among the groups gnomAD compares: East Asian, 0.0089%; no homozygotes.

Submissions (4):

Natera, Inc.
Classification: Pathogenic for Usher syndrome type 2A. Last evaluated: 2025-10-27. Review status: criteria provided, single submitter. Criteria: Natera Variant Classification Schema (03/2026). Collection method: clinical testing. Allele origin: germline.
Comment: The c.11328T>G variant in USH2A is a nonsense variant predicted to introduce a stop codon at amino acid 3776. This variant is expected to result in nonsense mediated decay, truncation, or a dysfunctional protein product. This variant is rare in the general population with a frequency below the threshold expected for the associated phenotype(s). This variant has been observed in one or more individuals affected with the associated recessive disease, as either homozygous or compound heterozygous with a second variant (PMID: 32203226). Given the available evidence, this variant is classified as Pathogenic.

Fulgent Genetics
Classification: Pathogenic for Usher syndrome type 2A; Retinitis pigmentosa 39. Last evaluated: 2024-02-13. Review status: criteria provided, single submitter. Criteria: ACMG Guidelines, 2015. Collection method: clinical testing. Allele origin: germline.

Dept Of Ophthalmology, Nagoya University
Classification: Pathogenic for Retinal dystrophy. Last evaluated: 2023-10-01. Review status: criteria provided, single submitter. Criteria: Submitter's publication. Collection method: research. Allele origin: germline. Affected: yes.

Labcorp Genetics (formerly Invitae), Labcorp
Classification: Pathogenic. Last evaluated: 2022-04-20. Review status: criteria provided, single submitter. Criteria: Invitae Variant Classification Sherloc (09022015). Collection method: clinical testing. Allele origin: germline.
Comment: For these reasons, this variant has been classified as Pathogenic. Algorithms developed to predict the effect of sequence changes on RNA splicing suggest that this variant may disrupt the consensus splice site. This premature translational stop signal has been observed in individual(s) with USH2A-related conditions (PMID: 32203226). This variant is present in population databases (rs749726310, gnomAD 0.006%). This sequence change creates a premature translational stop signal (p.Tyr3776*) in the USH2A gene. It is expected to result in an absent or disrupted protein product. Loss-of-function variants in USH2A are known to be pathogenic (PMID: 10729113, 10909849, 20507924, 25649381).

Literature cited by the submitters: PubMed 32203226 (cited by Natera, Inc. and Labcorp Genetics (formerly Invitae), Labcorp); PubMed 10729113 (cited by Labcorp Genetics (formerly Invitae), Labcorp); PubMed 10909849 (cited by Labcorp Genetics (formerly Invitae), Labcorp); PubMed 20507924 (cited by Labcorp Genetics (formerly Invitae), Labcorp); PubMed 25649381 (cited by Labcorp Genetics (formerly Invitae), Labcorp).